The following is an entry in ClinVar:

ClinVar aggregate classification (germline): Benign/Likely benign. Review status: criteria provided, multiple submitters, no conflicts (2 of 4 stars). 3 submissions from 3 submitters: Benign (1); Likely benign (2). Last evaluated 2024-12-22.

Conditions:
Familial adenomatous polyposis 1 (FAP1). Also called: FAMILIAL ADENOMATOUS POLYPOSIS 1, ATTENUATED; POLYPOSIS, ADENOMATOUS INTESTINAL. Identifiers: MedGen C2713442, MONDO:0021056, OMIM 175100. Disease mechanism: loss of function.
Hereditary cancer-predisposing syndrome. Also called: Neoplastic Syndromes, Hereditary; Tumor predisposition; Hereditary neoplastic syndrome; Hereditary Cancer Syndrome. Identifiers: Orphanet 140162, MedGen C0027672, MeSH D009386, MONDO:0015356.

Submissions (3):

Labcorp Genetics (formerly Invitae), Labcorp
Classification: Likely benign for Familial adenomatous polyposis 1. Last evaluated: 2024-12-22. Review status: criteria provided, single submitter. Criteria: Invitae Variant Classification Sherloc (09022015). Collection method: clinical testing. Allele origin: germline.

Ambry Genetics
Classification: Likely benign for Hereditary cancer-predisposing syndrome. Last evaluated: 2024-05-09. Review status: criteria provided, single submitter. Criteria: Ambry Variant Classification Scheme 2023. Collection method: clinical testing. Allele origin: germline.

Myriad Genetics, Inc.
Classification: Benign for Familial adenomatous polyposis 1. Last evaluated: 2024-04-03. Review status: criteria provided, single submitter. Criteria: Myriad Autosomal Dominant, Autosomal Recessive and X-Linked Classification Criteria (2023). Collection method: clinical testing. Allele origin: unknown.
Comment: This variant is considered benign. This variant is a silent/synonymous amino acid change and it is not expected to impact splicing.

NM_000038.6(APC):c.6018C>G (p.Gly2006=)

Gene: APC (APC regulator of Wnt signaling pathway; plus strand). Cytogenetic location: 5q22.2.
Variant type: single nucleotide variant.
Coding change: c.6018C>G on transcript NM_000038.6 (MANE Select); coding-DNA position 6018, C replaced by G.
Protein change: p.Gly2006=; no amino-acid change (glycine 2006 retained).
Molecular consequence: synonymous variant. On other transcripts: non-coding transcript variant (2).
Genome position (GRCh38, 1-based): chr5:112,841,612, C>G. VCF-style: chr5-112841612-C-G. GRCh37 (hg19) VCF-style: chr5-112177309-C-G.
Other names: c.5538C>G, p.Gly1846= (NM_001354905.2); c.6072C>G, p.Gly2024= (NM_001407448.1, NM_001407447.1, NM_001407449.1 and 1 more transcripts); c.6018C>G, p.Gly2006= (NM_001407450.1, NM_001127510.3, NM_001354895.2); c.6102C>G, p.Gly2034= (NM_001407446.1); c.5169C>G, p.Gly1723= (NM_001354906.2, NM_001407470.1); c.5964C>G, p.Gly1988= (NM_001127511.3); c.6048C>G, p.Gly2016= (NM_001354897.2); c.5943C>G, p.Gly1981= (NM_001354898.2); and 12 more.
Identifiers: ClinVar variation 2700793 (VCV002700793.5), dbSNP rs1328658295, ClinGen allele CA446210142.